The following is an entry in ClinVar:

ClinVar aggregate classification (germline): Uncertain significance (1 of 4 stars; one submission).

Allele frequency attached by ClinVar (database versions not stated): gnomAD exomes 0.00001.
gnomAD v4.1: 3 of 1,614,186 alleles (0.00019%); highest among the groups gnomAD compares: Non-Finnish European, 0.00025%; no homozygotes.

Submission:

GeneDx
Classification: Uncertain significance. Last evaluated: 2019-05-10. Review status: criteria provided, single submitter. Criteria: GeneDx Variant Classification Process June 2021. Collection method: clinical testing. Allele origin: germline. Affected: yes.
Comment: Has not been previously published as pathogenic or benign to our knowledge; Not observed in large population cohorts (Lek et al., 2016); In silico analysis, which includes protein predictors and evolutionary conservation, supports a deleterious effect; The majority of missense variants in this gene are considered pathogenic (Stenson et al., 2014)

NM_033337.3(CAV3):c.269T>C (p.Phe90Ser)

Genes: CAV3 (caveolin 3; plus strand), OXTR (oxytocin receptor; minus strand). Cytogenetic location: 3p25.3.
Variant type: single nucleotide variant.
Coding change: c.269T>C on transcript NM_033337.3 (MANE Select); coding-DNA position 269, T replaced by C.
Protein change: p.Phe90Ser; replaces phenylalanine 90 with serine.
Molecular consequence: missense variant.
Genome position (GRCh38, 1-based): chr3:8,745,680, T>C. VCF-style: chr3-8745680-T-C. GRCh37 (hg19) VCF-style: chr3-8787366-T-C.
Other names: c.269T>C, p.Phe90Ser (NM_001234.5); short protein forms F90S.
Identifiers: ClinVar variation 1305821 (VCV001305821.2), dbSNP rs2124988540, ClinGen allele CA351663407.
Genomic context (GRCh38, chr3:8,745,680, plus strand): 5'-ACTGGTGCTACCGTCTGTTGTCCACGCTGCTGGGCGTCCCACTGGCCCTGCTCTGGGGCT[T>C]CCTGTTCGCCTGCATCTCCTTCTGCCACATCTGGGCGGTGGTGCCATGCATTAAGAGCTA-3'
Protein context (NP_203123.1, residues 80-100): LGVPLALLWG[Phe90Ser]LFACISFCHI